The following is an entry in ClinVar:

ClinVar aggregate classification (germline): Likely benign. Review status: criteria provided, multiple submitters, no conflicts (2 of 4 stars). 2 submissions from 2 submitters: Likely benign (2). Last evaluated 2026-02-01.

gnomAD v4.1: 340 of 1,613,806 alleles (0.021%); highest among the groups gnomAD compares: Middle Eastern, 0.79%; 5 homozygotes.

Submissions (2):

CeGaT Center for Human Genetics Tuebingen
Classification: Likely benign. Last evaluated: 2026-02-01. Review status: criteria provided, single submitter. Criteria: CeGaT Center For Human Genetics Tuebingen Variant Classification Criteria Version 2. Collection method: clinical testing. Allele origin: germline. Affected: yes. Observed: 1 variant allele.
Comment: ZNF148: BP4, BP7

Blueprint Genetics
Classification: Likely benign. Last evaluated: 2024-11-08. Review status: criteria provided, single submitter. Criteria: ACMG Guidelines, 2015. Collection method: clinical testing. Allele origin: germline.

NM_021964.3(ZNF148):c.1743C>T (p.Val581=)

Genes: ZNF148 (zinc finger protein 148; minus strand), LOC126806798 (P300/CBP strongly-dependent group 1 enhancer GRCh37_chr3:124950809-124952008; plus strand). Cytogenetic location: 3q21.2.
Variant type: single nucleotide variant.
Coding change: c.1743C>T on transcript NM_021964.3 (MANE Select); coding-DNA position 1743, C replaced by T.
Protein change: p.Val581=; no amino-acid change (valine 581 retained).
Molecular consequence: synonymous variant.
Genome position (GRCh38, 1-based): chr3:125,232,983, G>A on the plus strand (C>T on the coding strand, the complement: ZNF148 is on the minus strand). VCF-style: chr3-125232983-G-A. GRCh37 (hg19) VCF-style: chr3-124951827-G-A.
Other names: c.1743C>T, p.Val581= (NM_001348424.1, NM_001348425.2, NM_001348426.2 and 7 more transcripts); c.1617C>T, p.Val539= (NM_001348434.2).
Identifiers: ClinVar variation 4820812 (VCV004820812.5).